The following is an entry in ClinVar:

ClinVar aggregate classification (germline): Likely benign. Review status: criteria provided, multiple submitters, no conflicts (2 of 4 stars). 6 submissions from 6 submitters: Likely benign (4). 2 of the submissions do not count toward it. Last evaluated 2024-11-27.

Conditions:
Autosomal recessive inherited pseudoxanthoma elasticum (PXE). Identifiers: Orphanet 758, MedGen CN032334, MONDO:0009925, OMIM 264800.
Arterial calcification, generalized, of infancy, 2. Identifiers: Orphanet 51608, MedGen C3276161, MONDO:0013768, OMIM 614473.
Pseudoxanthoma elasticum, forme fruste. Also called: Pseudoxanthoma Elasticum, Incomplete; PSEUDOXANTHOMA ELASTICUM, HETEROZYGOUS. Identifiers: Orphanet 758, MedGen C1867450, MONDO:0008333, OMIM 177850.

Allele frequency attached by ClinVar (database versions not stated): 1000 Genomes Project 30x 0.01468; gnomAD exomes 0.01662; gnomAD 0.01832 and 0.01842; ExAC 0.02006.

Submissions (6):

Blueprint Genetics
Classification: Likely benign. Last evaluated: 2024-11-27. Review status: criteria provided, single submitter. Criteria: ACMG Guidelines, 2015. Collection method: clinical testing. Allele origin: germline.

Fulgent Genetics
Classification: Likely benign for Pseudoxanthoma elasticum, forme fruste; Autosomal recessive inherited pseudoxanthoma elasticum; Arterial calcification, generalized, of infancy, 2. Last evaluated: 2021-07-14. Review status: criteria provided, single submitter. Criteria: ACMG Guidelines, 2015. Collection method: clinical testing. Allele origin: unknown.

GeneDx
Classification: Likely benign. Last evaluated: 2018-02-27. Review status: criteria provided, single submitter. Criteria: GeneDx Variant Classification (06012015). Collection method: clinical testing. Allele origin: germline. Affected: yes.
Comment: This variant is considered likely benign or benign based on one or more of the following criteria: it is a conservative change, it occurs at a poorly conserved position in the protein, it is predicted to be benign by multiple in silico algorithms, and/or has population frequency not consistent with disease.

Breakthrough Genomics
Classification: Likely benign. Review status: criteria provided, single submitter. Criteria: ACMG Guidelines, 2015. Collection method: not provided. Allele origin: germline. Inheritance: Autosomal recessive inheritance. Affected: yes.

PXE International
Classification: Benign for Autosomal recessive inherited pseudoxanthoma elasticum. Last evaluated: 2021-03-01. Review status: no assertion criteria provided. Collection method: research. Allele origin: germline. Inheritance: Autosomal recessive inheritance. Affected: yes. Not counted in ClinVar's aggregate classification.

Department of Pathology and Laboratory Medicine, Sinai Health System
Classification: Likely benign. Review status: no assertion criteria provided. Collection method: clinical testing. Allele origin: unknown. Affected: yes. Study: The Canadian Open Genetics Repository (COGR). Not counted in ClinVar's aggregate classification.
Comment: The ABCC6 c.662+12C>T variant was not identified in the literature nor was it identified in the Cosmic database. The variant was identified in dbSNP (ID: rs72664291), ClinVar (reported likely benign by GeneDx and pathogenic by PXE International), Clinvitae, and LOVD 3.0 (classified as benign). The variant was identified in control databases in 2838 of 169536 chromosomes (42 homozygous) at a frequency of 0.01674 increasing the likelihood this could be a low frequency benign variant (Genome Aggregation Database Feb 27, 2017). The variant was observed in the following populations: European (non-Finnish) in 1691 of 65948 chromosomes (freq: 0.02564), Other in 93 of 4902 chromosomes (freq: 0.01897), European (Finnish) in 326 of 18338 chromosomes (freq: 0.01778), South Asian in 310 of 21710 chromosomes (freq: 0.01428), Ashkenazi Jewish in 103 of 7726 chromosomes (freq: 0.01333), Latino in 256 of 24756 chromosomes (freq: 0.01034), African in 44 of 13714 chromosomes (freq: 0.003208), and East Asian in 15 of 12442 chromosomes (freq: 0.001206). The c.662+12C>T variant is not expected to have clinical significance because it does not result in a change of amino acid and is not located in a known consensus splice site. In addition, in silico or computational prediction software programs (SpliceSiteFinder, MaxEntScan, NNSPLICE, and GeneSplicer) do not predict a difference in splicing. In summary, based on the above information the clinical significance of this variant cannot be determined with certainty at this time although we would lean towards a more benign role for this variant. This variant is classified as likely benign.

Literature cited by the submitters: PubMed 11702217 (cited by PXE International).

NM_001171.6(ABCC6):c.662+12C>T

Gene: ABCC6 (ATP binding cassette subfamily C member 6; minus strand). Cytogenetic location: 16p13.11.
Variant type: single nucleotide variant.
Coding change: c.662+12C>T on transcript NM_001171.6 (MANE Select); 12 bases into the intron after coding-DNA position 662, C replaced by T.
Molecular consequence: intron variant.
Genome position (GRCh38, 1-based): chr16:16,212,173, G>A on the plus strand (C>T on the coding strand, the complement: ABCC6 is on the minus strand). VCF-style: chr16-16212173-G-A. GRCh37 (hg19) VCF-style: chr16-16306030-G-A.
Other names: c.320+12C>T (NM_001351800.1).
Identifiers: ClinVar variation 433376 (VCV000433376.7), dbSNP rs1555520951, ClinGen allele CA7926614.